The following is an entry in ClinVar:

ClinVar aggregate classification (germline): Uncertain significance (1 of 4 stars; one submission).

Conditions:
Fanconi anemia (FA). Also called: Fanconi's anemia. Identifiers: Orphanet 84, MedGen C0015625, MeSH D005199, MONDO:0019391.

Submission:

Sema4
Classification: Uncertain significance for Fanconi anemia. Last evaluated: 2022-01-24. Review status: criteria provided, single submitter. Criteria: Sema4 Curation Guidelines. Collection method: curation. Allele origin: germline.
Comment: The FANCG c.1663C>T (p.L555F) variant has not been reported in the literature to our knowledge. This variant was not observed in the large and broad cohorts of the Genome Aggregation Database (PMID: 32461654). This variant has not been reported in ClinVar. Functional studies have not been performed, and in silico predictions of the variant's effect on protein function are inconclusive. The evidence is insufficient to meet ACMG/AMP criteria for classifying the variant as benign or pathogenic. Thus, the clinical significance of this variant is currently uncertain.

NM_004629.2(FANCG):c.1663C>T (p.Leu555Phe)

Gene: FANCG (FA complementation group G; minus strand). Cytogenetic location: 9p13.3.
Variant type: single nucleotide variant.
Coding change: c.1663C>T on transcript NM_004629.2 (MANE Select); coding-DNA position 1663, C replaced by T.
Protein change: p.Leu555Phe; replaces leucine 555 with phenylalanine.
Molecular consequence: missense variant.
Genome position (GRCh38, 1-based): chr9:35,074,468, G>A on the plus strand (C>T on the coding strand, the complement: FANCG is on the minus strand). VCF-style: chr9-35074468-G-A. GRCh37 (hg19) VCF-style: chr9-35074465-G-A.
Other names: short protein forms L555F.
Identifiers: ClinVar variation 1692836 (VCV001692836.1), dbSNP rs2131051917, ClinGen allele CA373301136.